The following is an entry in ClinVar:

NM_018418.5(SPATA7):c.564C>T (p.Ser188=)

Gene: SPATA7 (spermatogenesis associated 7; plus strand). Cytogenetic location: 14q31.3.
Variant type: single nucleotide variant.
Coding change: c.564C>T on transcript NM_018418.5 (MANE Select); coding-DNA position 564, C replaced by T.
Protein change: p.Ser188=; no amino-acid change (serine 188 retained).
Molecular consequence: synonymous variant.
Genome position (GRCh38, 1-based): chr14:88,426,423, C>T. VCF-style: chr14-88426423-C-T. GRCh37 (hg19) VCF-style: chr14-88892767-C-T.
Other names: c.468C>T, p.Ser156= (NM_001040428.4); c.564C>T (NM_018418.4).
Identifiers: ClinVar variation 2198328 (VCV002198328.6), dbSNP rs549574077, ClinGen allele CA7298551.

ClinVar aggregate classification (germline): Likely benign. Review status: criteria provided, multiple submitters, no conflicts (2 of 4 stars). 3 submissions from 3 submitters: Likely benign (3). Last evaluated 2026-09-02.

Conditions:
SPATA7-related disorder. Also called: SPATA7-related condition; SPATA7-related disorders. Identifiers: MedGen CN239422.
Leber congenital amaurosis 3 (LCA3). Also called: SPATA7-Related Retinitis Pigmentosa. Identifiers: MedGen C1858677, MONDO:0011415, OMIM 604232.

Allele frequency attached by ClinVar (database versions not stated): TOPMed below 0.00001; ExAC 0.00001; gnomAD exomes 0.00001.
gnomAD v4.1: 17 of 1,614,166 alleles (0.0011%); highest among the groups gnomAD compares: East Asian, 0.0045%; no homozygotes.

Submissions (3):

PreventionGenetics, part of Exact Sciences
Classification: Likely benign for SPATA7-related condition. Last evaluated: 2026-09-02. Review status: criteria provided, single submitter. Criteria: ACMG Guidelines, 2015. Collection method: clinical testing. Allele origin: germline.
Comment: This variant is classified as likely benign based on ACMG/AMP sequence variant interpretation guidelines (Richards et al. 2015 PMID: 25741868, with internal and published modifications).

Labcorp Genetics (formerly Invitae), Labcorp
Classification: Likely benign for Leber congenital amaurosis 3. Last evaluated: 2025-05-28. Review status: criteria provided, single submitter. Criteria: Invitae Variant Classification Sherloc (09022015). Collection method: clinical testing. Allele origin: germline.

Blueprint Genetics
Classification: Likely benign. Last evaluated: 2024-05-16. Review status: criteria provided, single submitter. Criteria: ACMG Guidelines, 2015. Collection method: clinical testing. Allele origin: germline.